The following is an entry in ClinVar:

ClinVar aggregate classification (germline): Uncertain significance (1 of 4 stars; one submission).

Conditions:
Hereditary cancer-predisposing syndrome. Also called: Tumor predisposition; Hereditary neoplastic syndrome; Hereditary Cancer Syndrome; Neoplastic Syndromes, Hereditary. Identifiers: Orphanet 140162, MedGen C0027672, MeSH D009386, MONDO:0015356.

Submission:

Ambry Genetics
Classification: Uncertain significance for Hereditary cancer-predisposing syndrome. Last evaluated: 2023-12-20. Review status: criteria provided, single submitter. Criteria: Ambry Variant Classification Scheme 2023. Collection method: clinical testing. Allele origin: germline.
Comment: The p.V265A variant (also known as c.794T>C), located in coding exon 10 of the BAP1 gene, results from a T to C substitution at nucleotide position 794. The valine at codon 265 is replaced by alanine, an amino acid with similar properties. This amino acid position is conserved. In addition, this alteration is predicted to be tolerated by in silico analysis. Since supporting evidence is limited at this time, the clinical significance of this alteration remains unclear.

NM_004656.4(BAP1):c.794T>C (p.Val265Ala)

Gene: BAP1 (BRCA1 associated deubiquitinase 1; minus strand). Cytogenetic location: 3p21.1.
Variant type: single nucleotide variant.
Coding change: c.794T>C on transcript NM_004656.4 (MANE Select); coding-DNA position 794, T replaced by C.
Protein change: p.Val265Ala; replaces valine 265 with alanine.
Molecular consequence: missense variant.
Genome position (GRCh38, 1-based): chr3:52,405,902, A>G on the plus strand (T>C on the coding strand, the complement: BAP1 is on the minus strand). VCF-style: chr3-52405902-A-G. GRCh37 (hg19) VCF-style: chr3-52439918-A-G.
Other names: c.740T>C, p.Val247Ala (NM_001410772.1); short protein forms V247A, V265A.
Identifiers: ClinVar variation 3224480 (VCV003224480.1), dbSNP rs2153227283, ClinGen allele CA353106950.